The following is an entry in ClinVar:

ClinVar aggregate classification (germline): Uncertain significance. Review status: criteria provided, multiple submitters, no conflicts (2 of 4 stars). 2 submissions from 2 submitters: Uncertain significance (2). Last evaluated 2025-05-21.

Allele frequency attached by ClinVar (database versions not stated): gnomAD 0.00001; TOPMed 0.00002; gnomAD exomes 0.00005; ESP Exome Variant Server 0.00008.
gnomAD v4.1: 78 of 1,612,882 alleles (0.0048%); highest among the groups gnomAD compares: Non-Finnish European, 0.0062%; no homozygotes.

Submissions (2):

Ambry Genetics
Classification: Uncertain significance. Last evaluated: 2025-05-21. Review status: criteria provided, single submitter. Criteria: Ambry Variant Classification Scheme 2023. Collection method: clinical testing. Allele origin: germline.

Labcorp Genetics (formerly Invitae), Labcorp
Classification: Uncertain significance. Last evaluated: 2025-05-13. Review status: criteria provided, single submitter. Criteria: Invitae Variant Classification Sherloc (09022015). Collection method: clinical testing. Allele origin: germline.
Comment: This sequence change replaces valine, which is neutral and non-polar, with aspartic acid, which is acidic and polar, at codon 10 of the RFWD3 protein (p.Val10Asp). This variant is present in population databases (rs148851729, gnomAD 0.004%). This variant has not been reported in the literature in individuals affected with RFWD3-related conditions. ClinVar contains an entry for this variant (Variation ID: 2219165). An algorithm developed to predict the effect of missense changes on protein structure and function (PolyPhen-2) suggests that this variant is likely to be tolerated. In summary, the available evidence is currently insufficient to determine the role of this variant in disease. Therefore, it has been classified as a Variant of Uncertain Significance.

NM_018124.4(RFWD3):c.29T>A (p.Val10Asp)

Gene: RFWD3 (ring finger and WD repeat domain 3; minus strand). Cytogenetic location: 16q23.1.
Variant type: single nucleotide variant.
Coding change: c.29T>A on transcript NM_018124.4 (MANE Select); coding-DNA position 29, T replaced by A.
Protein change: p.Val10Asp; replaces valine 10 with aspartic acid.
Molecular consequence: missense variant. On other transcripts: 5 prime UTR variant (4), intron variant (1).
Genome position (GRCh38, 1-based): chr16:74,661,421, A>T on the plus strand (T>A on the coding strand, the complement: RFWD3 is on the minus strand). VCF-style: chr16-74661421-A-T. GRCh37 (hg19) VCF-style: chr16-74695319-A-T.
Other names: c.29T>A (NM_018124.3); c.29T>A, p.Val10Asp (NM_001370534.1, NM_001370535.1, NM_001370536.1); c.-980T>A (NM_001370537.1); c.-603T>A (NM_001370539.1, NM_001370541.1); c.-857T>A (NM_001370542.1); c.-735T>A (NM_001370543.1); c.-317+3203T>A (NM_001370540.1); short protein forms V10D.
Identifiers: ClinVar variation 2219165 (VCV002219165.9), dbSNP rs148851729, ClinGen allele CA283771279.